The following is an entry in ClinVar:

ClinVar aggregate classification (germline): Uncertain significance (1 of 4 stars; one submission).

gnomAD v4.1: 1 of 1,614,128 alleles (0.000062%); highest among the groups gnomAD compares: Non-Finnish European, 0.000085%; no homozygotes.

Submission:

GeneDx
Classification: Uncertain significance. Last evaluated: 2024-12-26. Review status: criteria provided, single submitter. Criteria: GeneDx Variant Classification Process June 2021. Collection method: clinical testing. Allele origin: germline. Affected: yes.
Comment: Not observed at significant frequency in large population cohorts (gnomAD); In silico analysis supports that this missense variant has a deleterious effect on protein structure/function; Has not been previously published as pathogenic or benign to our knowledge

NM_005068.3(SIM1):c.647C>T (p.Ser216Leu)

Gene: SIM1 (SIM bHLH transcription factor 1; minus strand). Cytogenetic location: 6q16.3.
Variant type: single nucleotide variant.
Coding change: c.647C>T on transcript NM_005068.3 (MANE Select); coding-DNA position 647, C replaced by T.
Protein change: p.Ser216Leu; replaces serine 216 with leucine.
Molecular consequence: missense variant.
Genome position (GRCh38, 1-based): chr6:100,448,575, G>A on the plus strand (C>T on the coding strand, the complement: SIM1 is on the minus strand). VCF-style: chr6-100448575-G-A. GRCh37 (hg19) VCF-style: chr6-100896451-G-A.
Other names: c.647C>T, p.Ser216Leu (NM_001374769.1); short protein forms S216L.
Identifiers: ClinVar variation 3908048 (VCV003908048.1).